The following is an entry in ClinVar:

ClinVar aggregate classification (germline): Uncertain significance (1 of 4 stars; one submission).

Conditions:
Marfan syndrome (MFS). Also called: MARFAN SYNDROME, TYPE I; Marfan syndrome type 1; Marfan's syndrome; Marfan syndrome, classic; FBN1-Related Marfan Syndrome. Identifiers: Orphanet 284963, Orphanet 558, MedGen C0024796, MONDO:0007947, OMIM 154700.

Submission:

All of Us Research Program, National Institutes of Health
Classification: Uncertain significance for Marfan syndrome. Last evaluated: 2023-10-06. Review status: criteria provided, single submitter. Criteria: ACMG Guidelines, 2015. Collection method: clinical testing. Allele origin: germline. Inheritance: Autosomal dominant inheritance. Observed: 1 variant allele, 1 heterozygote.
Comment: This missense variant replaces glutamic acid with glycine at codon 2417 of the FBN1 protein. Computational prediction is inconclusive regarding the impact of this variant on protein structure and function (internally defined REVEL score threshold 0.5 < inconclusive < 0.7, PMID: 27666373). To our knowledge, functional studies have not been reported for this variant. This variant has not been reported in individuals affected with FBN1-related disorders in the literature. This variant has not been identified in the general population by the Genome Aggregation Database (gnomAD). The available evidence is insufficient to determine the role of this variant in disease conclusively. Therefore, this variant is classified as a Variant of Uncertain Significance.

This study involves interpretation of variants in research participants for the purpose of population health screening. Participant phenotype was not available at the time of variant classification. Additional details can be found in publication PMID: 35346344, PMCID: PMC8962531

NM_000138.5(FBN1):c.7250A>G (p.Glu2417Gly)

Gene: FBN1 (fibrillin 1; minus strand). Cytogenetic location: 15q21.1.
Variant type: single nucleotide variant.
Coding change: c.7250A>G on transcript NM_000138.5 (MANE Select); coding-DNA position 7250, A replaced by G.
Protein change: p.Glu2417Gly; replaces glutamic acid 2417 with glycine.
Molecular consequence: missense variant.
Genome position (GRCh38, 1-based): chr15:48,425,819, T>C on the plus strand (A>G on the coding strand, the complement: FBN1 is on the minus strand). VCF-style: chr15-48425819-T-C. GRCh37 (hg19) VCF-style: chr15-48718016-T-C.
Other names: c.7250A>G, p.Glu2417Gly (NM_001406716.1); short protein forms E2417G.
Identifiers: ClinVar variation 3073825 (VCV003073825.1), dbSNP rs2505408205, ClinGen allele CA392328757.